The following is an entry in ClinVar:

NM_025114.4(CEP290):c.3115A>C (p.Ser1039Arg)

Gene: CEP290 (centrosomal protein 290; minus strand). Cytogenetic location: 12q21.32.
Variant type: single nucleotide variant.
Coding change: c.3115A>C on transcript NM_025114.4 (MANE Select); coding-DNA position 3115, A replaced by C.
Protein change: p.Ser1039Arg; replaces serine 1039 with arginine.
Molecular consequence: missense variant.
Genome position (GRCh38, 1-based): chr12:88,093,964, T>G on the plus strand (A>C on the coding strand, the complement: CEP290 is on the minus strand). VCF-style: chr12-88093964-T-G. GRCh37 (hg19) VCF-style: chr12-88487741-T-G.
Other names: short protein forms S1039R.
Identifiers: ClinVar variation 971025 (VCV000971025.10), dbSNP rs2037241839, ClinGen allele CA386006595.

ClinVar aggregate classification (germline): Uncertain significance (1 of 4 stars; one submission).

Conditions:
Meckel-Gruber syndrome. Also called: Dysencephalia splachnocystica; DYSENCEPHALIA SPLANCHNOCYSTICA; GRUBER SYNDROME. Identifiers: Orphanet 564, MedGen C0265215, MONDO:0018921.
Nephronophthisis. Also called: Juvenile Nephronophthisis. Identifiers: Orphanet 655, MedGen C0687120, MONDO:0019005, HP:0000090.
Joubert syndrome. Also called: Familial aplasia of the vermis; CEREBELLOPARENCHYMAL DISORDER IV; JOUBERT-BOLTSHAUSER SYNDROME. Identifiers: Orphanet 475, MedGen C5979921, MONDO:0018772.

Submission:

Labcorp Genetics (formerly Invitae), Labcorp
Classification: Uncertain significance for Joubert syndrome; Meckel-Gruber syndrome; Nephronophthisis. Last evaluated: 2022-03-10. Review status: criteria provided, single submitter. Criteria: Invitae Variant Classification Sherloc (09022015). Collection method: clinical testing. Allele origin: germline.
Comment: This variant has not been reported in the literature in individuals affected with CEP290-related conditions. In summary, the available evidence is currently insufficient to determine the role of this variant in disease. Therefore, it has been classified as a Variant of Uncertain Significance. Algorithms developed to predict the effect of missense changes on protein structure and function (SIFT, PolyPhen-2, Align-GVGD) all suggest that this variant is likely to be tolerated. ClinVar contains an entry for this variant (Variation ID: 971025). This variant is not present in population databases (gnomAD no frequency). This sequence change replaces serine, which is neutral and polar, with arginine, which is basic and polar, at codon 1039 of the CEP290 protein (p.Ser1039Arg).